The following is an entry in ClinVar:

ClinVar aggregate classification (germline): Uncertain significance (1 of 4 stars; one submission).

Submission:

Labcorp Genetics (formerly Invitae), Labcorp
Classification: Uncertain significance. Last evaluated: 2024-10-16. Review status: criteria provided, single submitter. Criteria: Invitae Variant Classification Sherloc (09022015). Collection method: clinical testing. Allele origin: germline.
Comment: This sequence change replaces histidine, which is basic and polar, with tyrosine, which is neutral and polar, at codon 513 of the RNF213 protein (p.His513Tyr). This variant is not present in population databases (gnomAD no frequency). This variant has not been reported in the literature in individuals affected with RNF213-related conditions. Invitae Evidence Modeling of protein sequence and biophysical properties (such as structural, functional, and spatial information, amino acid conservation, physicochemical variation, residue mobility, and thermodynamic stability) indicates that this missense variant is not expected to disrupt RNF213 protein function with a negative predictive value of 95%. In summary, the available evidence is currently insufficient to determine the role of this variant in disease. Therefore, it has been classified as a Variant of Uncertain Significance.

NM_001256071.3(RNF213):c.1537C>T (p.His513Tyr)

Gene: RNF213 (ring finger protein 213; plus strand). Cytogenetic location: 17q25.3.
Variant type: single nucleotide variant.
Coding change: c.1537C>T on transcript NM_001256071.3 (MANE Select); coding-DNA position 1537, C replaced by T.
Protein change: p.His513Tyr; replaces histidine 513 with tyrosine.
Molecular consequence: missense variant.
Genome position (GRCh38, 1-based): chr17:80,294,785, C>T. VCF-style: chr17-80294785-C-T. GRCh37 (hg19) VCF-style: chr17-78268584-C-T.
Other names: c.1684C>T, p.His562Tyr (NM_001410195.1, NM_020914.5); c.1537C>T, p.His513Tyr (NM_020954.4); short protein forms H513Y, H562Y.
Identifiers: ClinVar variation 3688787 (VCV003688787.2).
Genomic context (GRCh38, chr17:80,294,785, plus strand): 5'-CATCAGTACTATGACATAGTTTATATGAAGCCTCATGGGAGACTCCAGAAAGTCATGAAC[C>T]ACATCACAGACGGGCCGAGGAAGGACCTGGTGAAGGGGAAGCAGATTGCCGCTGCGCTCA-3'
Protein context (NP_001243000.2, residues 503-523): PHGRLQKVMN[His513Tyr]ITDGPRKDLV